The following is an entry in ClinVar:

ClinVar aggregate classification (germline): Uncertain significance (1 of 4 stars; one submission).

Conditions:
Niemann-Pick disease, type C2 (NPC2). Identifiers: Orphanet 646, MedGen C1843366, MONDO:0011873, OMIM 607625.

Allele frequency attached by ClinVar (database versions not stated): TOPMed below 0.00001.

Submission:

Labcorp Genetics (formerly Invitae), Labcorp
Classification: Uncertain significance for Niemann-Pick disease, type C2. Last evaluated: 2021-04-24. Review status: criteria provided, single submitter. Criteria: Invitae Variant Classification Sherloc (09022015). Collection method: clinical testing. Allele origin: germline.
Comment: In summary, the available evidence is currently insufficient to determine the role of this variant in disease. Therefore, it has been classified as a Variant of Uncertain Significance. Nucleotide substitutions within the consensus splice site are a relatively common cause of aberrant splicing (PMID: 17576681, 9536098). Algorithms developed to predict the effect of sequence changes on RNA splicing suggest that this variant is not likely to affect RNA splicing, but this prediction has not been confirmed by published transcriptional studies. This variant has not been reported in the literature in individuals with NPC2-related conditions. This variant is not present in population databases (ExAC no frequency). This sequence change falls in intron 1 of the NPC2 gene. It does not directly change the encoded amino acid sequence of the NPC2 protein. It affects a nucleotide within the consensus splice site of the intron.

Literature cited by the submitters: PubMed 17576681; PubMed 9536098.

NM_006432.5(NPC2):c.82+6C>T

Gene: NPC2 (NPC intracellular cholesterol transporter 2; minus strand). Cytogenetic location: 14q24.3.
Variant type: single nucleotide variant.
Coding change: c.82+6C>T on transcript NM_006432.5 (MANE Select); 6 bases into the intron after coding-DNA position 82, C replaced by T.
Molecular consequence: intron variant.
Genome position (GRCh38, 1-based): chr14:74,493,187, G>A on the plus strand (C>T on the coding strand, the complement: NPC2 is on the minus strand). VCF-style: chr14-74493187-G-A. GRCh37 (hg19) VCF-style: chr14-74959890-G-A.
Other names: c.82+6C>T (NM_001363688.1, NM_001375440.1).
Identifiers: ClinVar variation 1492555 (VCV001492555.4), dbSNP rs1450006465, ClinGen allele CA615021748.